The following is an entry in ClinVar:

ClinVar aggregate classification (germline): Uncertain significance (1 of 4 stars; one submission).

Submission:

Ambry Genetics
Classification: Uncertain significance. Last evaluated: 2025-03-26. Review status: criteria provided, single submitter. Criteria: Ambry Variant Classification Scheme 2023. Collection method: clinical testing. Allele origin: germline.
Comment: The p.A569D variant (also known as c.1706C>A), located in coding exon 1 of the TET2 gene, results from a C to A substitution at nucleotide position 1706. The alanine at codon 569 is replaced by aspartic acid, an amino acid with dissimilar properties. This amino acid position is conserved. In addition, this alteration is predicted to be tolerated by in silico analysis. Based on the available evidence, the clinical significance of this variant remains unclear.

NM_001127208.3(TET2):c.1706C>A (p.Ala569Asp)

Genes: TET2 (tet methylcytosine dioxygenase 2; plus strand), TET2-AS1 (TET2 antisense RNA 1; minus strand). Cytogenetic location: 4q24.
Variant type: single nucleotide variant.
Coding change: c.1706C>A on transcript NM_001127208.3 (MANE Select); coding-DNA position 1706, C replaced by A.
Protein change: p.Ala569Asp; replaces alanine 569 with aspartic acid.
Molecular consequence: missense variant.
Genome position (GRCh38, 1-based): chr4:105,235,648, C>A. VCF-style: chr4-105235648-C-A. GRCh37 (hg19) VCF-style: chr4-106156805-C-A.
Other names: c.1706C>A, p.Ala569Asp (NM_017628.4); short protein forms A569D.
Identifiers: ClinVar variation 3967488 (VCV003967488.1).